The following is an entry in ClinVar:

NM_000465.4(BARD1):c.319C>T (p.Leu107Phe)

Gene: BARD1 (BRCA1 associated RING domain 1; minus strand). Cytogenetic location: 2q35.
Variant type: single nucleotide variant.
Coding change: c.319C>T on transcript NM_000465.4 (MANE Select); coding-DNA position 319, C replaced by T.
Protein change: p.Leu107Phe; replaces leucine 107 with phenylalanine.
Molecular consequence: missense variant. On other transcripts: non-coding transcript variant (1), intron variant (2).
Genome position (GRCh38, 1-based): chr2:214,792,342, G>A on the plus strand (C>T on the coding strand, the complement: BARD1 is on the minus strand). VCF-style: chr2-214792342-G-A. GRCh37 (hg19) VCF-style: chr2-215657066-G-A.
Other names: c.262C>T, p.Leu88Phe (NM_001282543.2); c.319C>T, p.Leu107Phe (NM_001282549.2); c.158+17070C>T (NM_001282548.2); c.215+4719C>T (NM_001282545.2); c.319C>T (NM_000465.2); short protein forms L88F, L107F.
Identifiers: ClinVar variation 2146585 (VCV002146585.5), dbSNP rs2106134624, ClinGen allele CA350460910.

ClinVar aggregate classification (germline): Uncertain significance. Review status: criteria provided, multiple submitters, no conflicts (2 of 4 stars). 2 submissions from 2 submitters: Uncertain significance (2). Last evaluated 2024-09-24.

Conditions:
BARD1-related cancer predisposition. Identifiers: MedGen CN377756, MONDO:0700267.
Familial cancer of breast. Also called: BREAST CANCER, FAMILIAL; hereditary breast carcinoma; Hereditary breast cancer. Identifiers: Orphanet 227535, MedGen C0346153, MONDO:0016419, OMIM 114480. Disease mechanism: loss of function.

Submissions (2):

Molecular Pathology, Peter Maccallum Cancer Centre
Classification: Uncertain significance for BARD1-related cancer predisposition. Last evaluated: 2024-09-24. Review status: criteria provided, single submitter. Criteria: ACMG Guidelines, 2015. Collection method: clinical testing. Allele origin: germline. Inheritance: Autosomal dominant inheritance.

Labcorp Genetics (formerly Invitae), Labcorp
Classification: Uncertain significance for Familial cancer of breast. Last evaluated: 2022-08-31. Review status: criteria provided, single submitter. Criteria: Invitae Variant Classification Sherloc (09022015). Collection method: clinical testing. Allele origin: germline.
Comment: Algorithms developed to predict the effect of missense changes on protein structure and function are either unavailable or do not agree on the potential impact of this missense change (SIFT: "Deleterious"; PolyPhen-2: "Probably Damaging"; Align-GVGD: "Class C0"). This variant has not been reported in the literature in individuals affected with BARD1-related conditions. This variant is not present in population databases (gnomAD no frequency). This sequence change replaces leucine, which is neutral and non-polar, with phenylalanine, which is neutral and non-polar, at codon 107 of the BARD1 protein (p.Leu107Phe). In summary, the available evidence is currently insufficient to determine the role of this variant in disease. Therefore, it has been classified as a Variant of Uncertain Significance.